The following is an entry in ClinVar:

ClinVar aggregate classification (germline): Likely benign (1 of 4 stars; one submission).

Allele frequency attached by ClinVar (database versions not stated): gnomAD 0.00003; ExAC 0.00001; gnomAD exomes 0.00001; TOPMed 0.00002; ESP Exome Variant Server 0.00008.
gnomAD v4.1: 14 of 1,549,500 alleles (0.0009%); highest among the groups gnomAD compares: South Asian, 0.0025%; no homozygotes.

Submission:

CeGaT Center for Human Genetics Tuebingen
Classification: Likely benign. Last evaluated: 2023-04-01. Review status: criteria provided, single submitter. Criteria: CeGaT Center For Human Genetics Tuebingen Variant Classification Criteria Version 2. Collection method: clinical testing. Allele origin: germline. Affected: yes. Observed: 1 variant allele.
Comment: ZBTB4: BP4, BP7

NM_001128833.2(ZBTB4):c.3030C>T (p.Gly1010=)

Gene: ZBTB4 (zinc finger and BTB domain containing 4; minus strand). Cytogenetic location: 17p13.1.
Variant type: single nucleotide variant.
Coding change: c.3030C>T on transcript NM_001128833.2 (MANE Select); coding-DNA position 3030, C replaced by T.
Protein change: p.Gly1010=; no amino-acid change (glycine 1010 retained).
Molecular consequence: synonymous variant.
Genome position (GRCh38, 1-based): chr17:7,461,952, G>A on the plus strand (C>T on the coding strand, the complement: ZBTB4 is on the minus strand). VCF-style: chr17-7461952-G-A. GRCh37 (hg19) VCF-style: chr17-7365271-G-A.
Other names: c.3030C>T, p.Gly1010= (NM_020899.4).
Identifiers: ClinVar variation 2647337 (VCV002647337.24), dbSNP rs376572108, ClinGen allele CA8348106.